The following is an entry in ClinVar:

ClinVar aggregate classification (germline): Uncertain significance (1 of 4 stars; one submission).

Conditions:
Hereditary cancer-predisposing syndrome. Also called: Neoplastic Syndromes, Hereditary; Tumor predisposition; Hereditary neoplastic syndrome; Hereditary Cancer Syndrome. Identifiers: Orphanet 140162, MedGen C0027672, MeSH D009386, MONDO:0015356.

gnomAD v4.1: 1 of 1,614,132 alleles (0.000062%); highest among the groups gnomAD compares: Non-Finnish European, 0.000085%; no homozygotes.

Submission:

Ambry Genetics
Classification: Uncertain significance for Hereditary cancer-predisposing syndrome. Last evaluated: 2026-07-06. Review status: criteria provided, single submitter. Criteria: Ambry Variant Classification Scheme 2023. Collection method: clinical testing. Allele origin: germline.
Comment: The p.E167Q variant (also known as c.499G>C), located in coding exon 4 of the CDH1 gene, results from a G to C substitution at nucleotide position 499. The glutamic acid at codon 167 is replaced by glutamine, an amino acid with highly similar properties. This amino acid position is conserved. In addition, this alteration is predicted to be tolerated by in silico analysis. Based on the available evidence, the clinical significance of this variant remains unclear.

NM_004360.5(CDH1):c.499G>C (p.Glu167Gln)

Gene: CDH1 (cadherin 1; plus strand). Cytogenetic location: 16q22.1.
Variant type: single nucleotide variant.
Coding change: c.499G>C on transcript NM_004360.5 (MANE Select); coding-DNA position 499, G replaced by C.
Protein change: p.Glu167Gln; replaces glutamic acid 167 with glutamine.
Molecular consequence: missense variant. On other transcripts: 5 prime UTR variant (2).
Genome position (GRCh38, 1-based): chr16:68,808,535, G>C. VCF-style: chr16-68808535-G-C. GRCh37 (hg19) VCF-style: chr16-68842438-G-C.
Other names: c.499G>C, p.Glu167Gln (NM_001317184.2); c.-1117G>C (NM_001317185.2); c.-1321G>C (NM_001317186.2); short protein forms E167Q.
Identifiers: ClinVar variation 5033916 (VCV005033916.1).